The following is an entry in ClinVar:

ClinVar aggregate classification (germline): Likely benign. Review status: criteria provided, multiple submitters, no conflicts (2 of 4 stars). 4 submissions from 4 submitters: Likely benign (4). Last evaluated 2025-12-29.

Conditions:
BAP1-related tumor predisposition syndrome (TPDS1). Also called: Tumor susceptibility linked to germline BAP1 mutations; BAP1 tumor predisposition syndrome; COMMON Syndrome; TUMOR PREDISPOSITION SYNDROME 1. Identifiers: Orphanet 289539, MedGen C3280492, MONDO:0013692, OMIM 614327.
Hereditary cancer-predisposing syndrome. Also called: Hereditary Cancer Syndrome; Neoplastic Syndromes, Hereditary; Tumor predisposition; Hereditary neoplastic syndrome. Identifiers: Orphanet 140162, MedGen C0027672, MeSH D009386, MONDO:0015356.

Allele frequency attached by ClinVar (database versions not stated): gnomAD exomes below 0.00001; ExAC 0.00001.
gnomAD v4.1: 3 of 1,613,766 alleles (0.00019%); highest among the groups gnomAD compares: South Asian, 0.0011%; no homozygotes.

Submissions (4):

Center for Genomic Medicine, Rigshospitalet, Copenhagen University Hospital
Classification: Likely benign. Last evaluated: 2025-12-29. Review status: criteria provided, single submitter. Criteria: ACMG Guidelines, 2015. Collection method: clinical testing. Allele origin: germline.

Labcorp Genetics (formerly Invitae), Labcorp
Classification: Likely benign for BAP1-related tumor predisposition syndrome. Last evaluated: 2025-10-13. Review status: criteria provided, single submitter. Criteria: Invitae Variant Classification Sherloc (09022015). Collection method: clinical testing. Allele origin: germline.

Myriad Genetics, Inc.
Classification: Likely benign for BAP1-related tumor predisposition syndrome. Last evaluated: 2024-07-11. Review status: criteria provided, single submitter. Criteria: Myriad Autosomal Dominant, Autosomal Recessive and X-Linked Classification Criteria (2023). Collection method: clinical testing. Allele origin: unknown.
Comment: This variant is considered likely benign. This variant is intronic and is not expected to impact mRNA splicing.

Color Diagnostics, LLC DBA Color Health
Classification: Likely benign for Hereditary cancer-predisposing syndrome. Last evaluated: 2017-03-08. Review status: criteria provided, single submitter. Criteria: ACMG Guidelines, 2015. Collection method: clinical testing. Allele origin: germline.

NM_004656.4(BAP1):c.38-20C>T

Gene: BAP1 (BRCA1 associated deubiquitinase 1; minus strand). Cytogenetic location: 3p21.1.
Variant type: single nucleotide variant.
Coding change: c.38-20C>T on transcript NM_004656.4 (MANE Select); 20 bases into the intron before coding-DNA position 38, C replaced by T.
Molecular consequence: intron variant.
Genome position (GRCh38, 1-based): chr3:52,409,763, G>A on the plus strand (C>T on the coding strand, the complement: BAP1 is on the minus strand). VCF-style: chr3-52409763-G-A. GRCh37 (hg19) VCF-style: chr3-52443779-G-A.
Identifiers: ClinVar variation 490866 (VCV000490866.13), dbSNP rs761912129, ClinGen allele CA2437238.
Genomic context (GRCh38, chr3:52,409,763, plus strand): 5'-AAGGCTCTTACCGAAATCTTCCACGAGCAGGGTGAAGAGGCCTGGGTGGGGCGACAAGAG[G>A]AGGGGGTGATGGTCAGGCAGGCGCGTCCCGGGCCCATCCGGCCTCCCCAGCCCCTGGCCC-3'